The following is an entry in ClinVar:

NM_003108.4(SOX11):c.14C>A (p.Ala5Glu)

Gene: SOX11 (SRY-box transcription factor 11; plus strand). Cytogenetic location: 2p25.2.
Variant type: single nucleotide variant.
Coding change: c.14C>A on transcript NM_003108.4 (MANE Select); coding-DNA position 14, C replaced by A.
Protein change: p.Ala5Glu; replaces alanine 5 with glutamic acid.
Molecular consequence: missense variant.
Genome position (GRCh38, 1-based): chr2:5,692,735, C>A. VCF-style: chr2-5692735-C-A. GRCh37 (hg19) VCF-style: chr2-5832867-C-A.
Other names: short protein forms A5E.
Identifiers: ClinVar variation 2901199 (VCV002901199.3), dbSNP rs1273091935, ClinGen allele CA345865736.
Genomic context (GRCh38, chr2:5,692,735, plus strand): 5'-ACGAGACCCAGCGGCCCGGGTTGGAGCGTCCAGCCCTGCAGCGGATCATGGTGCAGCAGG[C>A]GGAGAGCTTGGAAGCGGAGAGCAACCTGCCCCGGGAGGCGCTGGACACGGAGGAGGGCGA-3'
Protein context (NP_003099.1, residues 1-15): MVQQ[Ala5Glu]ESLEAESNLP

ClinVar aggregate classification (germline): Uncertain significance (1 of 4 stars; one submission).

Submission:

Labcorp Genetics (formerly Invitae), Labcorp
Classification: Uncertain significance. Last evaluated: 2023-11-18. Review status: criteria provided, single submitter. Criteria: Invitae Variant Classification Sherloc (09022015). Collection method: clinical testing. Allele origin: germline.
Comment: This sequence change replaces alanine, which is neutral and non-polar, with glutamic acid, which is acidic and polar, at codon 5 of the SOX11 protein (p.Ala5Glu). The frequency data for this variant in the population databases is considered unreliable, as metrics indicate poor data quality at this position in the gnomAD database. This variant has not been reported in the literature in individuals affected with SOX11-related conditions. An algorithm developed to predict the effect of missense changes on protein structure and function (PolyPhen-2) suggests that this variant is likely to be disruptive. In summary, the available evidence is currently insufficient to determine the role of this variant in disease. Therefore, it has been classified as a Variant of Uncertain Significance.